The following is an entry in ClinVar:

ClinVar aggregate classification (germline): Pathogenic (1 of 4 stars; one submission).

Conditions:
Familial intrahepatic cholestasis. Identifiers: Orphanet 284385, MedGen CN296401, MONDO:0017290.

Submission:

Genomenon, Inc
Classification: Pathogenic for Familial intrahepatic cholestasis. Last evaluated: 2026-04-14. Review status: criteria provided, single submitter. Criteria: Genomenon Sequence Variant Interpretation Standards - Updated. Collection method: curation. Allele origin: germline. Affected: yes.
Comment: ABCB11 p.Leu241ProfsTer21 (c.722_723delinsC) is a frameshift variant that results in the production of a truncated protein which is predicted to undergo nonsense-mediated mRNA decay. This variant has been observed in at least one proband with an ABCB11-related disorder (PMID:37697751). It is absent or not present at a significant frequency in gnomAD. In conclusion, we classify ABCB11 p.Leu241ProfsTer21 (c.722_723delinsC) as a pathogenic variant.

Literature cited by the submitters: PubMed 37697751.

NM_003742.4(ABCB11):c.722_723delinsC (p.Leu241fs)

Gene: ABCB11 (ATP binding cassette subfamily B member 11; minus strand). Cytogenetic location: 2q31.1.
Variant type: Indel.
Coding change: c.722_723delinsC on transcript NM_003742.4 (MANE Select); coding-DNA positions 722 to 723, TG replaced by C.
Protein change: p.Leu241fs; shifts the reading frame from leucine 241.
Molecular consequence: frameshift variant.
Genome position (GRCh38, 1-based): chr2:168,993,771-168,993,772, CA replaced by G on the plus strand (TG replaced by C on the coding strand, the reverse complement: ABCB11 is on the minus strand). VCF-style: chr2-168993771-CA-G. GRCh37 (hg19) VCF-style: chr2-169850281-CA-G.
Other names: short protein forms L241fs.
Identifiers: ClinVar variation 4846084 (VCV004846084.1).